The following is an entry in ClinVar:

ClinVar aggregate classification (germline): Likely benign (0 of 4 stars; one submission).

Conditions:
CNTNAP1-related disorder. Also called: CNTNAP1-related disease; CNTNAP1-related condition.

Allele frequency attached by ClinVar (database versions not stated): ExAC 0.00001; TOPMed 0.00003; gnomAD 0.00004; gnomAD exomes 0.00004; ESP Exome Variant Server 0.00008.
gnomAD v4.1: 62 of 1,613,510 alleles (0.0038%); highest among the groups gnomAD compares: Non-Finnish European, 0.0053%; no homozygotes.

Submission:

PreventionGenetics, part of Exact Sciences
Classification: Likely benign for CNTNAP1-related condition. Last evaluated: 2019-12-09. Review status: no assertion criteria provided. Collection method: clinical testing. Allele origin: germline.
Comment: This variant is classified as likely benign based on ACMG/AMP sequence variant interpretation guidelines (Richards et al. 2015 PMID: 25741868, with internal and published modifications).

NM_003632.3(CNTNAP1):c.3960C>T (p.Pro1320=)

Genes: CNTNAP1 (contactin associated protein 1; plus strand), LOC128669077 (EZH1 +46 kb erythroid enhancer; plus strand). Cytogenetic location: 17q21.2.
Variant type: single nucleotide variant.
Coding change: c.3960C>T on transcript NM_003632.3 (MANE Select); coding-DNA position 3960, C replaced by T.
Protein change: p.Pro1320=; no amino-acid change (proline 1320 retained).
Molecular consequence: synonymous variant.
Genome position (GRCh38, 1-based): chr17:42,698,715, C>T. VCF-style: chr17-42698715-C-T. GRCh37 (hg19) VCF-style: chr17-40850733-C-T.
Identifiers: ClinVar variation 3045193 (VCV003045193.2), dbSNP rs144975726, ClinGen allele CA8582503.